The following is an entry in ClinVar:

ClinVar aggregate classification (germline): Likely benign. Review status: criteria provided, multiple submitters, no conflicts (2 of 4 stars). 2 submissions from 2 submitters: Likely benign (2). Last evaluated 2024-09-01.

gnomAD v4.1: 3 of 1,614,218 alleles (0.00019%); highest among the groups gnomAD compares: African/African-American, 0.0027%; no homozygotes.

Submissions (2):

CeGaT Center for Human Genetics Tuebingen
Classification: Likely benign. Last evaluated: 2024-09-01. Review status: criteria provided, single submitter. Criteria: CeGaT Center For Human Genetics Tuebingen Variant Classification Criteria Version 2. Collection method: clinical testing. Allele origin: germline. Affected: yes. Observed: 1 variant allele.
Comment: SYNE1: BP4, BP7

Blueprint Genetics
Classification: Likely benign. Last evaluated: 2021-07-29. Review status: criteria provided, single submitter. Criteria: ACMG Guidelines, 2015. Collection method: clinical testing. Allele origin: germline.

NM_182961.4(SYNE1):c.25188G>A (p.Glu8396=)

Gene: SYNE1 (spectrin repeat containing nuclear envelope protein 1; minus strand). Cytogenetic location: 6q25.2.
Variant type: single nucleotide variant.
Coding change: c.25188G>A on transcript NM_182961.4 (MANE Select); coding-DNA position 25188, G replaced by A.
Protein change: p.Glu8396=; no amino-acid change (glutamic acid 8396 retained).
Molecular consequence: synonymous variant.
Genome position (GRCh38, 1-based): chr6:152,141,261, C>T on the plus strand (G>A on the coding strand, the complement: SYNE1 is on the minus strand). VCF-style: chr6-152141261-C-T. GRCh37 (hg19) VCF-style: chr6-152462396-C-T.
Other names: c.1794G>A, p.Glu598= (NM_001347701.2); c.1722G>A, p.Glu574= (NM_001347702.2); c.25044G>A, p.Glu8348= (NM_033071.5).
Identifiers: ClinVar variation 3341854 (VCV003341854.17).
Genomic context (GRCh38, chr6:152,141,261, plus strand): 5'-ACCAGCCGTTTGGGTTTCGGTACTATGCAGGTTAACAAAGCCAGGAAGGCTCTCCTCTTC[C>T]TCCTTCAGTTTGTGCTCCAGTCTCTTCACGGAGTCTATACTGCTACTGCATTCGCCCAGC-3'
Protein context (NP_892006.3, residues 8386-8406): SVKRLEHKLK[Glu8396=]EEESLPGFVN